The following is an entry in ClinVar:

NM_032888.4(COL27A1):c.4846G>T (p.Gly1616Cys)

Gene: COL27A1 (collagen type XXVII alpha 1 chain; plus strand). Cytogenetic location: 9q32.
Variant type: single nucleotide variant.
Coding change: c.4846G>T on transcript NM_032888.4 (MANE Select); coding-DNA position 4846, G replaced by T.
Protein change: p.Gly1616Cys; replaces glycine 1616 with cysteine.
Molecular consequence: missense variant.
Genome position (GRCh38, 1-based): chr9:114,302,082, G>T. VCF-style: chr9-114302082-G-T. GRCh37 (hg19) VCF-style: chr9-117064362-G-T.
Other names: short protein forms G1616C.
Identifiers: ClinVar variation 3713414 (VCV003713414.2).

ClinVar aggregate classification (germline): Uncertain significance (1 of 4 stars; one submission).

gnomAD v4.1: 3 of 1,612,754 alleles (0.00019%); highest among the groups gnomAD compares: Non-Finnish European, 0.00025%; no homozygotes.

Submission:

Labcorp Genetics (formerly Invitae), Labcorp
Classification: Uncertain significance. Last evaluated: 2024-04-22. Review status: criteria provided, single submitter. Criteria: Invitae Variant Classification Sherloc (09022015). Collection method: clinical testing. Allele origin: germline.
Comment: This sequence change replaces glycine, which is neutral and non-polar, with cysteine, which is neutral and slightly polar, at codon 1616 of the COL27A1 protein (p.Gly1616Cys). This variant is not present in population databases (gnomAD no frequency). This variant has not been reported in the literature in individuals affected with COL27A1-related conditions. Experimental studies and prediction algorithms are not available or were not evaluated, and the functional significance of this variant is currently unknown. In summary, the available evidence is currently insufficient to determine the role of this variant in disease. Therefore, it has been classified as a Variant of Uncertain Significance.